The following is an entry in ClinVar:

ClinVar aggregate classification (germline): Uncertain significance (1 of 4 stars; one submission).

Conditions:
ISL1-related disorder. Also called: ISL1-related condition.

Submission:

PreventionGenetics, part of Exact Sciences
Classification: Uncertain significance for ISL1-related condition. Last evaluated: 2025-05-16. Review status: criteria provided, single submitter. Criteria: ACMG Guidelines, 2015. Collection method: clinical testing. Allele origin: germline.
Comment: The ISL1 c.629T>C variant is predicted to result in the amino acid substitution p.Met210Thr. To our knowledge, this variant has not been reported in the literature or in a large population database (gnomAD), indicating this variant is rare. At this time, the clinical significance of this variant is uncertain due to the absence of conclusive functional and genetic evidence.

NM_002202.3(ISL1):c.629T>C (p.Met210Thr)

Gene: ISL1 (ISL LIM homeobox 1; plus strand). Cytogenetic location: 5q11.1.
Variant type: single nucleotide variant.
Coding change: c.629T>C on transcript NM_002202.3 (MANE Select); coding-DNA position 629, T replaced by C.
Protein change: p.Met210Thr; replaces methionine 210 with threonine.
Molecular consequence: missense variant.
Genome position (GRCh38, 1-based): chr5:51,389,796, T>C. VCF-style: chr5-51389796-T-C. GRCh37 (hg19) VCF-style: chr5-50685630-T-C.
Other names: short protein forms M210T.
Identifiers: ClinVar variation 5002034 (VCV005002034.1).